The following is an entry in ClinVar:

ClinVar aggregate classification (germline): Pathogenic (1 of 4 stars; one submission).

Conditions:
Tuberous sclerosis 2 (TSC2). Identifiers: Orphanet 805, MedGen C1860707, MONDO:0013199, OMIM 613254.

Submission:

Labcorp Genetics (formerly Invitae), Labcorp
Classification: Pathogenic for Tuberous sclerosis 2. Last evaluated: 2021-05-12. Review status: criteria provided, single submitter. Criteria: Invitae Variant Classification Sherloc (09022015). Collection method: clinical testing. Allele origin: germline.
Comment: For these reasons, this variant has been classified as Pathogenic. This variant has not been reported in the literature in individuals with TSC2-related conditions. This variant is not present in population databases (ExAC no frequency). This sequence change creates a premature translational stop signal (p.Tyr643*) in the TSC2 gene. It is expected to result in an absent or disrupted protein product. Loss-of-function variants in TSC2 are known to be pathogenic (PMID: 10205261, 17304050).

Literature cited by the submitters: PubMed 10205261; PubMed 17304050.

NM_000548.5(TSC2):c.1929C>A (p.Tyr643Ter)

Gene: TSC2 (TSC complex subunit 2; plus strand). Cytogenetic location: 16p13.3.
Variant type: single nucleotide variant.
Coding change: c.1929C>A on transcript NM_000548.5 (MANE Select); coding-DNA position 1929, C replaced by A.
Protein change: p.Tyr643Ter; replaces tyrosine 643 with a stop codon.
Molecular consequence: nonsense.
Genome position (GRCh38, 1-based): chr16:2,071,599, C>A. VCF-style: chr16-2071599-C-A. GRCh37 (hg19) VCF-style: chr16-2121600-C-A.
Other names: c.1929C>A, p.Tyr643Ter (NM_001077183.3, NM_001114382.3, NM_001363528.2 and 3 more transcripts); c.1818C>A, p.Tyr606Ter (NM_001318827.2); c.1782C>A, p.Tyr594Ter (NM_001318829.2); c.1329C>A, p.Tyr443Ter (NM_001318831.2); c.1962C>A, p.Tyr654Ter (NM_001318832.2); short protein forms Y443*, Y594*, Y654*, Y606*, Y643*.
Identifiers: ClinVar variation 1452046 (VCV001452046.6), dbSNP rs368710573, ClinGen allele CA394273312.